The following is an entry in ClinVar:

ClinVar aggregate classification (germline): Benign/Likely benign. Review status: criteria provided, multiple submitters, no conflicts (2 of 4 stars). 6 submissions from 6 submitters: Benign (3); Likely benign (3). Last evaluated 2025-07-02.

Conditions:
Inborn genetic diseases. Identifiers: MedGen C0950123, MeSH D030342.
Pitt-Hopkins syndrome (PTHS). Also called: ENCEPHALOPATHY, SEVERE EPILEPTIC, WITH AUTONOMIC DYSFUNCTION; MENTAL RETARDATION, SYNDROMAL, WITH INTERMITTENT HYPERVENTILATION. Identifiers: Orphanet 2896, MedGen C1970431, MONDO:0012589, OMIM 610954.

Allele frequency attached by ClinVar (database versions not stated): ExAC 0.00011; gnomAD exomes 0.00011 and 0.00009; ESP Exome Variant Server 0.00031; gnomAD 0.00006 and 0.00007; TOPMed 0.00006.
gnomAD v4.1: 152 of 1,614,048 alleles (0.0094%); highest among the groups gnomAD compares: Non-Finnish European, 0.012%; no homozygotes.

Submissions (6):

Labcorp Genetics (formerly Invitae), Labcorp
Classification: Benign for Pitt-Hopkins syndrome. Last evaluated: 2025-07-02. Review status: criteria provided, single submitter. Criteria: Invitae Variant Classification Sherloc (09022015). Collection method: clinical testing. Allele origin: germline.

CeGaT Center for Human Genetics Tuebingen
Classification: Likely benign. Last evaluated: 2025-05-01. Review status: criteria provided, single submitter. Criteria: CeGaT Center For Human Genetics Tuebingen Variant Classification Criteria Version 2. Collection method: clinical testing. Allele origin: germline. Affected: yes. Observed: 1 variant allele.
Comment: TCF4: BP4, BP7

Blueprint Genetics
Classification: Likely benign. Last evaluated: 2024-09-05. Review status: criteria provided, single submitter. Criteria: ACMG Guidelines, 2015. Collection method: clinical testing. Allele origin: germline.

Illumina Laboratory Services, Illumina
Classification: Benign for Pitt-Hopkins syndrome. Last evaluated: 2018-01-13. Review status: criteria provided, single submitter. Criteria: ICSL Variant Classification Criteria 13 December 2019. Collection method: clinical testing. Allele origin: germline.
Comment: This variant was observed in the ICSL laboratory as part of a predisposition screen in an ostensibly healthy population. It had not been previously curated by ICSL or reported in the Human Gene Mutation Database (HGMD: prior to June 1st, 2018), and was therefore a candidate for classification through an automated scoring system. Utilizing variant allele frequency, disease prevalence and penetrance estimates, and inheritance mode, an automated score was calculated to assess if this variant is too frequent to cause the disease. Based on the score and internal cut-off values, a variant classified as benign is not then subjected to further curation. The score for this variant resulted in a classification of benign for this disease.

Ambry Genetics
Classification: Likely benign for Inborn genetic diseases. Last evaluated: 2016-07-05. Review status: criteria provided, single submitter. Criteria: Ambry Variant Classification Scheme 2023. Collection method: clinical testing. Allele origin: germline.

GeneDx
Classification: Benign. Last evaluated: 2014-08-25. Review status: criteria provided, single submitter. Criteria: GeneDx Variant Classification (06012015). Collection method: clinical testing. Allele origin: germline. Affected: yes.
Comment: This variant is considered likely benign or benign based on one or more of the following criteria: it is a conservative change, it occurs at a poorly conserved position in the protein, it is predicted to be benign by multiple in silico algorithms, and/or has population frequency not consistent with disease.

NM_001083962.2(TCF4):c.1704G>A (p.Glu568=)

Gene: TCF4 (transcription factor 4; minus strand). Cytogenetic location: 18q21.2.
Variant type: single nucleotide variant.
Coding change: c.1704G>A on transcript NM_001083962.2 (MANE Select); coding-DNA position 1704, G replaced by A.
Protein change: p.Glu568=; no amino-acid change (glutamic acid 568 retained).
Molecular consequence: synonymous variant.
Genome position (GRCh38, 1-based): chr18:55,229,022, C>T on the plus strand (G>A on the coding strand, the complement: TCF4 is on the minus strand). VCF-style: chr18-55229022-C-T. GRCh37 (hg19) VCF-style: chr18-52896253-C-T.
Other names: p.E568E:GAG>GAA; c.2010G>A, p.Glu670= (NM_001243226.3); c.1632G>A, p.Glu544= (NM_001243227.2, NM_001348217.1, NM_001348218.2 and 1 more transcripts); c.1722G>A, p.Glu574= (NM_001243228.2); c.1683G>A, p.Glu561= (NM_001243230.2); c.1566G>A, p.Glu522= (NM_001243231.2); c.1491G>A, p.Glu497= (NM_001243232.1); c.1302G>A, p.Glu434= (NM_001243233.2, NM_001348212.2); and 15 more.
Identifiers: ClinVar variation 207525 (VCV000207525.31), dbSNP rs144068462, ClinGen allele CA319087.